The following is an entry in ClinVar:

NM_000141.5(FGFR2):c.1084+4T>C

Gene: FGFR2 (fibroblast growth factor receptor 2; minus strand). Cytogenetic location: 10q26.13.
Variant type: single nucleotide variant.
Coding change: c.1084+4T>C on transcript NM_000141.5 (MANE Select); 4 bases into the intron after coding-DNA position 1084, T replaced by C.
Molecular consequence: intron variant.
Genome position (GRCh38, 1-based): chr10:121,517,315, A>G on the plus strand (T>C on the coding strand, the complement: FGFR2 is on the minus strand). VCF-style: chr10-121517315-A-G. GRCh37 (hg19) VCF-style: chr10-123276829-A-G.
Other names: c.749-1996T>C (NM_001144914.1); c.739+4T>C (NM_001144918.2, NM_001441091.1, NM_001441090.1 and 1 more transcripts); c.817+4T>C (NM_001441089.1, NM_023029.3, NM_001144915.2); c.820+1367T>C (NM_001441088.1, NM_001144919.2); c.939+2664T>C (NM_001144917.2); c.1084+4T>C (NM_001320658.2); c.1087+1367T>C (NM_001441087.1, NM_022970.4, NM_001144913.1); c.400+4T>C (NM_001320654.2).
Identifiers: ClinVar variation 2969432 (VCV002969432.3), dbSNP rs1400417187, ClinGen allele CA596347141.

ClinVar aggregate classification (germline): Uncertain significance (1 of 4 stars; one submission).

Conditions:
FGFR2-related craniosynostosis. Identifiers: MedGen CN231480.

Allele frequency attached by ClinVar (database versions not stated): gnomAD exomes below 0.00001.
gnomAD v4.1: 1 of 1,614,206 alleles (0.000062%); highest among the groups gnomAD compares: South Asian, 0.0011%; no homozygotes.

Submission:

Labcorp Genetics (formerly Invitae), Labcorp
Classification: Uncertain significance for FGFR2-related craniosynostosis. Last evaluated: 2025-08-24. Review status: criteria provided, single submitter. Criteria: Invitae Variant Classification Sherloc (09022015). Collection method: clinical testing. Allele origin: germline.
Comment: This sequence change falls in intron 8 of the FGFR2 gene. It does not directly change the encoded amino acid sequence of the FGFR2 protein. It affects a nucleotide within the consensus splice site. This variant is present in population databases (no rsID available, gnomAD 0.003%). This variant has not been reported in the literature in individuals affected with FGFR2-related conditions. ClinVar contains an entry for this variant (Variation ID: 2969432). Variants that disrupt the consensus splice site are a relatively common cause of aberrant splicing (PMID: 17576681, 9536098). Algorithms developed to predict the effect of sequence changes on RNA splicing suggest that this variant is not likely to affect RNA splicing. In summary, the available evidence is currently insufficient to determine the role of this variant in disease. Therefore, it has been classified as a Variant of Uncertain Significance.

Literature cited by the submitters: PubMed 17576681; PubMed 9536098.